The following is an entry in ClinVar:

NM_002181.4(IHH):c.1A>G (p.Met1Val)

Gene: IHH (Indian hedgehog signaling molecule; minus strand). Cytogenetic location: 2q35.
Variant type: single nucleotide variant.
Coding change: c.1A>G on transcript NM_002181.4 (MANE Select); coding-DNA position 1, A replaced by G.
Protein change: p.Met1Val; changes the start codon (methionine 1).
Molecular consequence: missense variant, initiator codon variant.
Genome position (GRCh38, 1-based): chr2:219,060,467, T>C on the plus strand (A>G on the coding strand, the complement: IHH is on the minus strand). VCF-style: chr2-219060467-T-C. GRCh37 (hg19) VCF-style: chr2-219925189-T-C.
Other names: c.1A>G (NM_002181.3); short protein forms M1V.
Identifiers: ClinVar variation 2584388 (VCV002584388.3), dbSNP rs2469520105, ClinGen allele CA350637848.

ClinVar aggregate classification (germline): Likely pathogenic. Review status: criteria provided, multiple submitters, no conflicts (2 of 4 stars). 2 submissions from 2 submitters: Likely pathogenic (2). Last evaluated 2024-09-01.

Conditions:
Acrocapitofemoral dysplasia (ACFD). Identifiers: Orphanet 63446, MedGen C1843096, MONDO:0011907, OMIM 607778.
Brachydactyly type A1A. Identifiers: MedGen CN295859, MONDO:0020701.

Submissions (2):

Suzhou Clinical Center for Rare Diseases in Children, Children's Hospital of Soochow University
Classification: Likely pathogenic for Acrocapitofemoral dysplasia. Last evaluated: 2024-09-01. Review status: criteria provided, single submitter. Criteria: ACMG Guidelines, 2015. Collection method: clinical testing. Allele origin: paternal. Affected: yes.
Comment: The NM_002181.3:c.1A>G (p.?) variant of IHH is a start coden variant and the next in-frame downstream start coden is 103 (PVS1_Strong). This variant is not recorded in the gnomAD (v4.1.0) (PM2_Supporting). This variant has already reported in clinvar with an affected individuial.(PS4_Supporting)According to the ACMG guidelines, this variant is classified as likely pathogenic (PVS1_Strong + PM2_Suppporting + PS4_Supporting).

Institute of Human Genetics Munich, TUM University Hospital
Classification: Likely pathogenic for Brachydactyly type A1. Last evaluated: 2022-12-13. Review status: criteria provided, single submitter. Criteria: Classification criteria August 2017. Collection method: clinical testing. Allele origin: de novo. Inheritance: Autosomal dominant inheritance. Affected: yes. Observed: 1 variant allele.